The following is an entry in ClinVar:

ClinVar aggregate classification (germline): Uncertain significance (1 of 4 stars; one submission).

Conditions:
GM1 gangliosidosis. Identifiers: Orphanet 354, MedGen C0085131, MONDO:0018149.
Mucopolysaccharidosis, MPS-IV-B (MPS4B). Also called: Mucopolysaccharidosis type IV B; Mucopolysaccharidosis type 4B; MORQUIO SYNDROME B; Mucopolysaccharidosis type IVB (Morquio); MPS IVB; Mucopolysaccharidosis Type IVB. Identifiers: Orphanet 309310, Orphanet 582, MedGen C0086652, MONDO:0009660, OMIM 253010.

gnomAD v4.1: 4 of 1,586,800 alleles (0.00025%); highest among the groups gnomAD compares: Non-Finnish European, 0.00034%; no homozygotes.

Submission:

Labcorp Genetics (formerly Invitae), Labcorp
Classification: Uncertain significance for Mucopolysaccharidosis, MPS-IV-B; GM1 gangliosidosis. Last evaluated: 2022-05-25. Review status: criteria provided, single submitter. Criteria: Invitae Variant Classification Sherloc (09022015). Collection method: clinical testing. Allele origin: germline.
Comment: This sequence change replaces isoleucine, which is neutral and non-polar, with methionine, which is neutral and non-polar, at codon 365 of the GLB1 protein (p.Ile365Met). This variant is not present in population databases (gnomAD no frequency). This variant has not been reported in the literature in individuals affected with GLB1-related conditions. Advanced modeling of protein sequence and biophysical properties (such as structural, functional, and spatial information, amino acid conservation, physicochemical variation, residue mobility, and thermodynamic stability) performed at Invitae indicates that this missense variant is not expected to disrupt GLB1 protein function. In summary, the available evidence is currently insufficient to determine the role of this variant in disease. Therefore, it has been classified as a Variant of Uncertain Significance.

NM_000404.4(GLB1):c.1095C>G (p.Ile365Met)

Gene: GLB1 (galactosidase beta 1; minus strand). Cytogenetic location: 3p22.3.
Variant type: single nucleotide variant.
Coding change: c.1095C>G on transcript NM_000404.4 (MANE Select); coding-DNA position 1095, C replaced by G.
Protein change: p.Ile365Met; replaces isoleucine 365 with methionine.
Molecular consequence: missense variant.
Genome position (GRCh38, 1-based): chr3:33,024,299, G>C on the plus strand (C>G on the coding strand, the complement: GLB1 is on the minus strand). VCF-style: chr3-33024299-G-C. GRCh37 (hg19) VCF-style: chr3-33065791-G-C.
Other names: c.1005C>G, p.Ile335Met (NM_001079811.3); c.702C>G, p.Ile234Met (NM_001135602.3); c.1239C>G, p.Ile413Met (NM_001317040.2); c.1095C>G, p.Ile365Met (NM_001393580.1); short protein forms I413M, I234M, I335M, I365M.
Identifiers: ClinVar variation 1985638 (VCV001985638.1), dbSNP rs200762972, ClinGen allele CA72654428.
Genomic context (GRCh38, chr3:33,024,299, plus strand): 5'-TTTTTTTCTTACCTTTTCCAAAGTGACCTTTCCATATGCAAACTTTGGTGTAGATGGAGG[G>C]ATAGGACCTTCTGGTACTTTTTCAAACTATAAACCAGAGTAGAAAAAGAGAGAAAAGAAA-3'
Protein context (NP_000395.3, residues 355-375): QKFEKVPEGP[Ile365Met]PPSTPKFAYG